The following is an entry in ClinVar:

ClinVar aggregate classification (germline): Uncertain significance. Review status: criteria provided, multiple submitters, no conflicts (2 of 4 stars). 2 submissions from 2 submitters: Uncertain significance (2). Last evaluated 2025-08-11.

Conditions:
Arrhinia with choanal atresia and microphthalmia syndrome. Also called: ARHINIA, CHOANAL ATRESIA, MICROPHTHALMIA, AND HYPOGONADOTROPIC HYPOGONADISM; Arhinia, choanal atresia, and microphthalmia; Arrhinia-choanal atresia-microphthalmia syndrome. Identifiers: Orphanet 1135, Orphanet 2250, MedGen C1863878, MONDO:0011323, OMIM 603457.
Facioscapulohumeral muscular dystrophy 2 (FSHD2). Also called: MUSCULAR DYSTROPHY, FACIOSCAPULOHUMERAL, TYPE 1B; FACIOSCAPULOHUMERAL MUSCULAR DYSTROPHY 2, DIGENIC; FSHD2, DIGENIC. Identifiers: Orphanet 269, MedGen C1834671, MONDO:0008031, OMIM 158901.

Allele frequency attached by ClinVar (database versions not stated): TOPMed 0.00002; ExAC 0.00003; gnomAD 0.00003; gnomAD exomes 0.00006; 1000 Genomes Project 30x 0.00016; 1000 Genomes Project 0.00020.
gnomAD v4.1: 91 of 1,613,350 alleles (0.0056%); highest among the groups gnomAD compares: Non-Finnish European, 0.007%; no homozygotes.

Submissions (2):

Labcorp Genetics (formerly Invitae), Labcorp
Classification: Uncertain significance for Facioscapulohumeral muscular dystrophy 2. Last evaluated: 2025-08-11. Review status: criteria provided, single submitter. Criteria: Invitae Variant Classification Sherloc (09022015). Collection method: clinical testing. Allele origin: germline.
Comment: This sequence change replaces proline, which is neutral and non-polar, with serine, which is neutral and polar, at codon 1023 of the SMCHD1 protein (p.Pro1023Ser). This variant is present in population databases (rs190723918, gnomAD 0.008%). This variant has not been reported in the literature in individuals affected with SMCHD1-related conditions. ClinVar contains an entry for this variant (Variation ID: 1959429). Invitae Evidence Modeling of protein sequence and biophysical properties (such as structural, functional, and spatial information, amino acid conservation, physicochemical variation, residue mobility, and thermodynamic stability) indicates that this missense variant is not expected to disrupt SMCHD1 protein function with a negative predictive value of 80%. In summary, the available evidence is currently insufficient to determine the role of this variant in disease. Therefore, it has been classified as a Variant of Uncertain Significance.

Department of Pathology and Laboratory Medicine, Sinai Health System
Classification: Uncertain significance for Facioscapulohumeral muscular dystrophy 2; Arrhinia with choanal atresia and microphthalmia syndrome. Last evaluated: 2022-02-15. Review status: criteria provided, single submitter. Criteria: ACMG Guidelines, 2015. Collection method: research. Allele origin: germline.

NM_015295.3(SMCHD1):c.3067C>T (p.Pro1023Ser)

Gene: SMCHD1 (structural maintenance of chromosomes flexible hinge domain containing 1; plus strand). Cytogenetic location: 18p11.32.
Variant type: single nucleotide variant.
Coding change: c.3067C>T on transcript NM_015295.3 (MANE Select); coding-DNA position 3067, C replaced by T.
Protein change: p.Pro1023Ser; replaces proline 1023 with serine.
Molecular consequence: missense variant.
Genome position (GRCh38, 1-based): chr18:2,732,283, C>T. VCF-style: chr18-2732283-C-T. GRCh37 (hg19) VCF-style: chr18-2732281-C-T.
Other names: short protein forms P1023S.
Identifiers: ClinVar variation 1959429 (VCV001959429.6), dbSNP rs190723918, ClinGen allele CA8871131.